The following is an entry in ClinVar:

ClinVar aggregate classification (germline): Pathogenic/Likely pathogenic. Review status: criteria provided, multiple submitters, no conflicts (2 of 4 stars). 14 submissions from 14 submitters: Pathogenic (9); Likely pathogenic (1). 4 of the submissions do not count toward it. Last evaluated 2026-11-03.

Conditions:
Autosomal dominant progressive external ophthalmoplegia. Identifiers: Orphanet 254892, MedGen C5231255, MONDO:0008003.
Mitochondrial DNA depletion syndrome. Also called: mitochondrial DNA depletion. Identifiers: Orphanet 35698, MedGen C0342782, MONDO:0018158.
POLG-related disorder. Also called: POLG-Related Spectrum Disorders; POLG-related condition; POLG-Related Disorders. Identifiers: MedGen C4763519.
Mitochondrial disease. Also called: Mitochondrial disorder; Mitochondrial disorders. Identifiers: Orphanet 68380, MedGen C0751651, MeSH D028361, MONDO:0044970.
Progressive sclerosing poliodystrophy (MTDPS4A). Also called: NEURONAL DEGENERATION OF CHILDHOOD WITH LIVER DISEASE, PROGRESSIVE; ALPERS PROGRESSIVE INFANTILE POLIODYSTROPHY; Mitochondrial DNA Depletion Syndrome 4A; Alpers-Huttenlocher Syndrome (AHS); ALPERS DIFFUSE DEGENERATION OF CEREBRAL GRAY MATTER WITH HEPATIC CIRRHOSIS; Alpers-Huttenlocher Syndrome. Identifiers: Orphanet 726, MedGen C0205710, MONDO:0008758, OMIM 203700.
Progressive external ophthalmoplegia with mitochondrial DNA deletions, autosomal dominant 1 (PEOA1). Also called: PROGRESSIVE EXTERNAL OPHTHALMOPLEGIA, AUTOSOMAL DOMINANT 1; Autosomal Dominant Progressive External Ophthalmoplegia (adPEO). Identifiers: MedGen C1834846, MONDO:0024528, OMIM 157640.

gnomAD v4.1: 1 of 1,613,974 alleles (0.000062%); highest among the groups gnomAD compares: Non-Finnish European, 0.000085%; no homozygotes.

Submissions (14):

Institute of Medical Genetics and Applied Genomics, University Hospital Tübingen
Classification: Pathogenic for Autosomal dominant progressive external ophthalmoplegia. Last evaluated: 2026-11-03. Review status: criteria provided, single submitter. Criteria: ACMG Guidelines, 2015. Collection method: clinical testing. Allele origin: germline. Inheritance: Autosomal dominant inheritance. Affected: yes.

Labcorp Genetics (formerly Invitae), Labcorp
Classification: Pathogenic for Progressive sclerosing poliodystrophy. Last evaluated: 2025-08-14. Review status: criteria provided, single submitter. Criteria: Invitae Variant Classification Sherloc (09022015). Collection method: clinical testing. Allele origin: germline.
Comment: This sequence change replaces tyrosine, which is neutral and polar, with cysteine, which is neutral and slightly polar, at codon 955 of the POLG protein (p.Tyr955Cys). This variant is not present in population databases (gnomAD no frequency). This missense change has been observed in individuals with autosomal dominant progressive external ophthalmoplegia (PMID: 11431686, 16595552, 31521625, 32161153). It has also been observed to segregate with disease in related individuals. ClinVar contains an entry for this variant (Variation ID: 13495). Invitae Evidence Modeling of protein sequence and biophysical properties (such as structural, functional, and spatial information, amino acid conservation, physicochemical variation, residue mobility, and thermodynamic stability) indicates that this missense variant is expected to disrupt POLG protein function with a positive predictive value of 95%. For these reasons, this variant has been classified as Pathogenic.

Laboratory of Genetics, Children's Clinical University Hospital Latvia
Classification: Likely pathogenic. Last evaluated: 2025-02-16. Review status: criteria provided, single submitter. Criteria: ACMG Guidelines, 2015. Collection method: clinical testing. Allele origin: germline. Affected: yes.

3billion
Classification: Pathogenic for Progressive external ophthalmoplegia with mitochondrial DNA deletions, autosomal dominant 1. Last evaluated: 2024-09-13. Review status: criteria provided, single submitter. Criteria: ACMG Guidelines, 2015. Collection method: clinical testing. Allele origin: germline. Affected: yes.
Comment: The variant is observed at an extremely low frequency in the gnomAD v4.0.0 dataset (total allele frequency: <0.001%). Predicted Consequence/Location: Missense variant In silico tool predictions suggest damaging effect of the variant on gene or gene product [REVEL: 0.98 (>=0.6, sensitivity 0.68 and specificity 0.92); 3Cnet: 0.99 (>=0.6, sensitivity 0.72 and precision 0.9)]. The same nucleotide change resulting in the same amino acid change has been previously reported as pathogenic/likely pathogenic with strong evidence (ClinVar ID: VCV000013495 /PMID: 11431686). The variant has been reported to co-segregate with the disease in at least 7 similarly affected relatives/individuals in at least two unrelated families (PMID: 11431686). A different missense change at the same codon (p.Tyr955His) has been reported to be associated with POLG related disorder (PMID: 28430993). Therefore, this variant is classified as Pathogenic according to the recommendation of ACMG/AMP guideline.

CeGaT Center for Human Genetics Tuebingen
Classification: Pathogenic. Last evaluated: 2024-02-01. Review status: criteria provided, single submitter. Criteria: CeGaT Center For Human Genetics Tuebingen Variant Classification Criteria Version 2. Collection method: clinical testing. Allele origin: germline. Affected: yes. Observed: 1 variant allele.
Comment: POLG: PP1:Strong, PM2, PS4:Moderate, PP3, PS3:Supporting

Women's Health and Genetics/Laboratory Corporation of America, LabCorp
Classification: Pathogenic for Mitochondrial DNA depletion syndrome. Last evaluated: 2023-11-21. Review status: criteria provided, single submitter. Criteria: LabCorp Variant Classification Summary - May 2015. Collection method: clinical testing. Allele origin: germline.
Comment: Variant summary: POLG c.2864A>G (p.Tyr955Cys) results in a non-conservative amino acid change located in the DNA-directed DNA polymerase, family A, palm domain (IPR001098) of the encoded protein sequence. Five of five in-silico tools predict a damaging effect of the variant on protein function. The frequency data for this variant in gnomAD is considered unreliable, as metrics indicate poor data quality at this position. c.2864A>G has been reported in the literature in multiple heterozygous individuals affected with progressive external ophthalmoplegia with Mitochondrial DNA Depletion, autosomal dominant with evidence of familial co-segregation (e.g. Lamantea_2002). These data indicate that the variant is very likely to be associated with disease. At least one publication reports experimental evidence evaluating an impact on protein function. The most pronounced variant effect results in reduced mitochondrial bioenergetics with 10%-<30% of normal growth capability in vitro (e.g. Rahman_2022). The following publications have been ascertained in the context of this evaluation (PMID: 12210792, 35760101). Six submitters have cited clinical-significance assessments for this variant to ClinVar after 2014. All submitters classified the variant as pathogenic. Based on the evidence outlined above, the variant was classified as pathogenic.

GeneDx
Classification: Pathogenic. Last evaluated: 2020-10-21. Review status: criteria provided, single submitter. Criteria: GeneDx Variant Classification Process June 2021. Collection method: clinical testing. Allele origin: germline. Affected: yes.
Comment: Functional studies demonstrated in the absence of intrinsic proofreading activity, the Y955C variant was associated with increased error rate during DNA synthesis (Ponamarev et al., 2002; Estep et al., 2011); In silico analysis, which includes protein predictors and evolutionary conservation, supports a deleterious effect; Not observed in large population cohorts (Lek et al., 2016); This variant is associated with the following publications: (PMID: 32161153, 31521625, 30848931, 12210792, 15702133, 21880868, 23673011, 11431686, 28430993, 16595552, 24943079, 27987238, 21228000, 19010300, 12565911, 2067633, 2725645, 11897778, 15258572, 17310215, 17725985, 16940310, 16368709, 23811324, 21696159, 15351195, 31263856)

Blueprint Genetics
Classification: Pathogenic for POLG-related disorders. Last evaluated: 2020-08-27. Review status: criteria provided, single submitter. Criteria: ACMG Guidelines, 2015. Collection method: clinical testing. Allele origin: germline. Affected: yes. Observed: 1 variant allele.

Athena Diagnostics
Classification: Pathogenic. Last evaluated: 2020-01-06. Review status: criteria provided, single submitter. Criteria: Athena Diagnostics Criteria. Collection method: clinical testing. Allele origin: unknown.
Comment: Not found in the total gnomAD dataset, and the data is high quality. Found in at least one patient with expected phenotype for this gene. Predicted to have a damaging effect on the protein. Assessment of experimental evidence suggests this variant results in abnormal protein function. Statistically associated with disease in multiple families.

Wong Mito Lab, Molecular and Human Genetics, Baylor College of Medicine
Classification: Pathogenic for Progressive sclerosing poliodystrophy. Last evaluated: 2018-10-01. Review status: criteria provided, single submitter. Criteria: ACMG Guidelines, 2015. Collection method: clinical testing. Allele origin: germline.
Comment: The NM_002693.2:c.2864A>G (NP_002684.1:p.Tyr955Cys) [GRCH38: NC_000015.10:g.89320883T>C] variant in POLG gene is interpretated to be a Pathogenic based on ACMG guidelines (PMID: 25741868). This variant meets the following evidence codes reported in the ACMG-guideline. PS1:This variation causes same amino-acid change as an established pathogenic variant. PS3:Well established functional studies show a deleterious effect on POLG. PM2:This variant is absent in key population databases. PM3:Detected in trans with a pathogenic variant for Mitochondrial DNA depletion syndrome 4A (Alpers type) which is a recessive disorder. PP1:This variant is co-segregated with Mitochondrial DNA depletion syndrome 4A (Alpers type) in multiple affected family members. PP4:Patient's phenotype or family history is highly specific for POLG. Based on the evidence criteria codes applied, the variant is suggested to be Pathogenic.

Mitochondrial Research Group, Newcastle University
Classification: Pathogenic for Mitochondrial disease. Last evaluated: 2017-04-07. Review status: no assertion criteria provided. Collection method: clinical testing. Allele origin: germline. Affected: yes. Observed: 1 variant allele. Not counted in ClinVar's aggregate classification.

Mayo Clinic Laboratories, Mayo Clinic
Classification: Pathogenic. Last evaluated: 2016-03-08. Review status: no assertion criteria provided. Collection method: clinical testing. Allele origin: unknown. Not counted in ClinVar's aggregate classification.

OMIM
Classification: Pathogenic for PROGRESSIVE EXTERNAL OPHTHALMOPLEGIA WITH MITOCHONDRIAL DNA DELETIONS, AUTOSOMAL DOMINANT 1. Last evaluated: 2004-09-04. Review status: no assertion criteria provided. Collection method: literature only. Allele origin: germline. Not counted in ClinVar's aggregate classification.

GeneReviews
No classification provided. Condition: Mitochondrial disease. Review status: no classification provided. Collection method: literature only. Allele origin: germline. Not counted in ClinVar's aggregate classification.

Literature cited by the submitters: PubMed 11431686 (cited by 4 submitters); PubMed 16595552 (cited by Labcorp Genetics (formerly Invitae), Labcorp and Athena Diagnostics); PubMed 31521625 (cited by Labcorp Genetics (formerly Invitae), Labcorp); PubMed 32161153 (cited by Labcorp Genetics (formerly Invitae), Labcorp); PubMed 28430993 (cited by 3billion and Athena Diagnostics); PubMed 12210792 (cited by 3 submitters); PubMed 35760101 (cited by Women's Health and Genetics/Laboratory Corporation of America, LabCorp); PubMed 11897778 (cited by Athena Diagnostics and OMIM); PubMed 15181170 (cited by Athena Diagnostics); PubMed 15258572 (cited by Athena Diagnostics); PubMed 15351195 (cited by Athena Diagnostics and OMIM); PubMed 16940310 (cited by Athena Diagnostics); PubMed 17310215 (cited by Athena Diagnostics); PubMed 17725985 (cited by Athena Diagnostics); PubMed 18446447 (cited by Athena Diagnostics); PubMed 18546365 (cited by Athena Diagnostics); PubMed 21228000 (cited by Athena Diagnostics); PubMed 21696159 (cited by Athena Diagnostics); PubMed 21880868 (cited by Athena Diagnostics); PubMed 22470557 (cited by Athena Diagnostics); PubMed 24398692 (cited by Athena Diagnostics); PubMed 25340760 (cited by Athena Diagnostics); PubMed 24508722 (cited by Athena Diagnostics); PubMed 25281868 (cited by Athena Diagnostics); PubMed 26554610 (cited by Athena Diagnostics); PubMed 28130605 (cited by Athena Diagnostics); PubMed 28812649 (cited by Athena Diagnostics and Mitochondrial Research Group, Newcastle University); PubMed 29474836 (cited by Athena Diagnostics); PubMed 28634151 (cited by Athena Diagnostics); PubMed 31147703 (cited by Athena Diagnostics); PubMed 2725645 (cited by OMIM); PubMed 2067633 (cited by OMIM); PubMed 14467368 (cited by OMIM); NCBI Bookshelf NBK26471 (cited by GeneReviews).

NM_002693.3(POLG):c.2864A>G (p.Tyr955Cys)

Gene: POLG (DNA polymerase gamma, catalytic subunit; minus strand). Cytogenetic location: 15q26.1.
Variant type: single nucleotide variant.
Coding change: c.2864A>G on transcript NM_002693.3 (MANE Select); coding-DNA position 2864, A replaced by G.
Protein change: p.Tyr955Cys; replaces tyrosine 955 with cysteine.
Molecular consequence: missense variant.
Genome position (GRCh38, 1-based): chr15:89,320,883, T>C on the plus strand (A>G on the coding strand, the complement: POLG is on the minus strand). VCF-style: chr15-89320883-T-C. GRCh37 (hg19) VCF-style: chr15-89864114-T-C.
Other names: c.2864A>G, p.Tyr955Cys (NM_001126131.2); short protein forms Y955C.
Identifiers: ClinVar variation 13495 (VCV000013495.41), dbSNP rs113994099, ClinGen allele CA341291.
Genomic context (GRCh38, chr15:89,320,883, plus strand): 5'-TGTGTGAGCCGGTGGTTAAACTGCATTAGTAAGCGCTCAGCAAAGGGCTGCCCAGCACCA[T>C]AGATGCGGCCGTAGTTGAAGATTTTGGCATGCTCACGGCTGATGCCCACAGTAGTGGCTG-3'
Protein context (NP_002684.1, residues 945-965): HAKIFNYGRI[Tyr955Cys]GAGQPFAERL